The following is an entry in ClinVar:

ClinVar aggregate classification (germline): Uncertain significance. Review status: criteria provided, multiple submitters, no conflicts (2 of 4 stars). 2 submissions from 2 submitters: Uncertain significance (2). Last evaluated 2022-07-23.

Conditions:
Peroxisome biogenesis disorder 7A (Zellweger). Also called: Peroxisome biogenesis disorder 7A. Identifiers: Orphanet 912, MedGen C3888385, MONDO:0013938, OMIM 614872.
Peroxisome biogenesis disorder 7B (PBD7B). Identifiers: Orphanet 44, MedGen C3553951, MONDO:0013939, OMIM 614873.

Allele frequency attached by ClinVar (database versions not stated): gnomAD exomes below 0.00001; gnomAD 0.00001; TOPMed 0.00002.
gnomAD v4.1: 8 of 1,613,998 alleles (0.0005%); highest among the groups gnomAD compares: Admixed American, 0.0017%; no homozygotes.

Submissions (2):

Labcorp Genetics (formerly Invitae), Labcorp
Classification: Uncertain significance for Peroxisome biogenesis disorder 7A (Zellweger); Peroxisome biogenesis disorder 7B. Last evaluated: 2022-07-23. Review status: criteria provided, single submitter. Criteria: Invitae Variant Classification Sherloc (09022015). Collection method: clinical testing. Allele origin: germline.
Comment: This sequence change replaces histidine, which is basic and polar, with tyrosine, which is neutral and polar, at codon 210 of the PEX26 protein (p.His210Tyr). This variant is present in population databases (no rsID available, gnomAD 0.0009%). This variant has not been reported in the literature in individuals affected with PEX26-related conditions. ClinVar contains an entry for this variant (Variation ID: 502693). Algorithms developed to predict the effect of missense changes on protein structure and function are either unavailable or do not agree on the potential impact of this missense change (SIFT: "Tolerated"; PolyPhen-2: "Possibly Damaging"; Align-GVGD: "Class C0"). In summary, the available evidence is currently insufficient to determine the role of this variant in disease. Therefore, it has been classified as a Variant of Uncertain Significance.

Eurofins Ntd Llc (ga)
Classification: Uncertain significance. Last evaluated: 2017-06-22. Review status: criteria provided, single submitter. Criteria: EGL Classification Definitions 2015. Collection method: clinical testing. Allele origin: germline. Observed: 1 variant allele, 1 heterozygote.

NM_001127649.3(PEX26):c.628C>T (p.His210Tyr)

Gene: PEX26 (peroxisomal biogenesis factor 26; plus strand). Cytogenetic location: 22q11.21.
Variant type: single nucleotide variant.
Coding change: c.628C>T on transcript NM_001127649.3 (MANE Select); coding-DNA position 628, C replaced by T.
Protein change: p.His210Tyr; replaces histidine 210 with tyrosine.
Molecular consequence: missense variant.
Genome position (GRCh38, 1-based): chr22:18,083,693, C>T. VCF-style: chr22-18083693-C-T. GRCh37 (hg19) VCF-style: chr22-18566459-C-T.
Other names: c.628C>T, p.His210Tyr (NM_001199319.2, NM_017929.6); short protein forms H210Y.
Identifiers: ClinVar variation 502693 (VCV000502693.9), dbSNP rs1199052809, ClinGen allele CA410268065.